The following is an entry in ClinVar:

ClinVar aggregate classification (germline): Uncertain significance. Review status: criteria provided, multiple submitters, no conflicts (2 of 4 stars). 2 submissions from 2 submitters: Uncertain significance (2). Last evaluated 2025-05-06.

Conditions:
Inborn genetic diseases. Identifiers: MedGen C0950123, MeSH D030342.

Allele frequency attached by ClinVar (database versions not stated): gnomAD exomes below 0.00001 and 0.00002; 1000 Genomes Project 30x 0.00016; 1000 Genomes Project 0.00020; ExAC 0.00001.

Submissions (2):

Ambry Genetics
Classification: Uncertain significance for Inborn genetic diseases. Last evaluated: 2025-05-06. Review status: criteria provided, single submitter. Criteria: Ambry Variant Classification Scheme 2023. Collection method: clinical testing. Allele origin: germline.
Comment: The p.H141Y variant (also known as c.421C>T), located in coding exon 4 of the ETV6 gene, results from a C to T substitution at nucleotide position 421. The histidine at codon 141 is replaced by tyrosine, an amino acid with similar properties. This amino acid position is well conserved in available vertebrate species. In addition, this alteration is predicted to be tolerated by in silico analysis. Based on the available evidence, the clinical significance of this variant remains unclear.

Genetic Services Laboratory, University of Chicago
Classification: Uncertain significance. Last evaluated: 2020-04-20. Review status: criteria provided, single submitter. Criteria: ACMG Guidelines, 2015. Collection method: clinical testing. Allele origin: germline. Affected: no.
Comment: DNA sequence analysis of the ETV6 gene demonstrated a sequence change, c.421C>T, in exon 4 that results in an amino acid change, p.His141Tyr. This sequence change has been described in the gnomAD database with a low population frequency of 0.0004% (dbSNP rs146150601). The p.His141Tyr change affects a highly conserved amino acid residue located in a domain of the ETV6 protein that is not known to be functional. The p.His141Tyr substitution appears to be benign using several in-silico pathogenicity prediction tools (SIFT, PolyPhen2, Align GVGD,REVEL).OR In-silico pathogenicity prediction tools (SIFT, PolyPhen2, Align GVGD, REVEL). This variant has not been reported in the literature in individuals with ETV6--related conditions. Due to the lack of functional studies, the clinical significance of the p.His141Tyr change remains unknown at this time.

NM_001987.5(ETV6):c.421C>T (p.His141Tyr)

Gene: ETV6 (ETS variant transcription factor 6; plus strand). Cytogenetic location: 12p13.2.
Variant type: single nucleotide variant.
Coding change: c.421C>T on transcript NM_001987.5 (MANE Select); coding-DNA position 421, C replaced by T.
Protein change: p.His141Tyr; replaces histidine 141 with tyrosine.
Molecular consequence: missense variant.
Genome position (GRCh38, 1-based): chr12:11,853,519, C>T. VCF-style: chr12-11853519-C-T. GRCh37 (hg19) VCF-style: chr12-12006453-C-T.
Other names: short protein forms H141Y.
Identifiers: ClinVar variation 1337623 (VCV001337623.5), dbSNP rs146150601, ClinGen allele CA6454233.